The following is an entry in ClinVar:

NM_000535.7(PMS2):c.440C>T (p.Thr147Ile)

Gene: PMS2 (PMS1 homolog 2, mismatch repair system component; minus strand). Cytogenetic location: 7p22.1.
Variant type: single nucleotide variant.
Coding change: c.440C>T on transcript NM_000535.7 (MANE Select); coding-DNA position 440, C replaced by T.
Protein change: p.Thr147Ile; replaces threonine 147 with isoleucine.
Molecular consequence: missense variant. On other transcripts: non-coding transcript variant (1), 5 prime UTR variant (2).
Genome position (GRCh38, 1-based): chr7:6,002,550, G>A on the plus strand (C>T on the coding strand, the complement: PMS2 is on the minus strand). VCF-style: chr7-6002550-G-A. GRCh37 (hg19) VCF-style: chr7-6042181-G-A.
Other names: c.35C>T, p.Thr12Ile (NM_001406892.1, NM_001406893.1, NM_001406894.1 and 25 more transcripts); c.131C>T, p.Thr44Ile (NM_001406900.1, NM_001322015.2, NM_001406875.1 and 6 more transcripts); c.122C>T, p.Thr41Ile (NM_001406901.1, NM_001406902.1, NM_001406903.1 and 4 more transcripts); c.440C>T, p.Thr147Ile (NM_001406912.1, NM_001322006.2, NM_001322014.2 and 8 more transcripts); c.-445C>T (NM_001322011.2, NM_001322012.2); c.626C>T, p.Thr209Ile (NM_001406866.1); c.464C>T, p.Thr155Ile (NM_001406868.1); short protein forms T12I, T147I, T209I, T155I, T41I, T44I.
Identifiers: ClinVar variation 1740386 (VCV001740386.7), dbSNP rs1554304012, ClinGen allele CA366744343.

ClinVar aggregate classification (germline): Uncertain significance. Review status: criteria provided, multiple submitters, no conflicts (2 of 4 stars). 2 submissions from 2 submitters: Uncertain significance (2). Last evaluated 2022-09-13.

Conditions:
Hereditary nonpolyposis colorectal neoplasms. Identifiers: MedGen C0009405, MeSH D003123.
Hereditary cancer-predisposing syndrome. Also called: Hereditary Cancer Syndrome; Hereditary neoplastic syndrome; Neoplastic Syndromes, Hereditary; Tumor predisposition. Identifiers: Orphanet 140162, MedGen C0027672, MeSH D009386, MONDO:0015356.

Submissions (2):

Labcorp Genetics (formerly Invitae), Labcorp
Classification: Uncertain significance for Hereditary nonpolyposis colorectal neoplasms. Last evaluated: 2022-09-13. Review status: criteria provided, single submitter. Criteria: Invitae Variant Classification Sherloc (09022015). Collection method: clinical testing. Allele origin: germline.
Comment: In summary, the available evidence is currently insufficient to determine the role of this variant in disease. Therefore, it has been classified as a Variant of Uncertain Significance. Advanced modeling of protein sequence and biophysical properties (such as structural, functional, and spatial information, amino acid conservation, physicochemical variation, residue mobility, and thermodynamic stability) performed at Invitae indicates that this missense variant is not expected to disrupt PMS2 protein function. This variant is not present in population databases (gnomAD no frequency). This variant has not been reported in the literature in individuals affected with PMS2-related conditions. This sequence change replaces threonine, which is neutral and polar, with isoleucine, which is neutral and non-polar, at codon 147 of the PMS2 protein (p.Thr147Ile).

Ambry Genetics
Classification: Uncertain significance for Hereditary cancer-predisposing syndrome. Last evaluated: 2021-05-20. Review status: criteria provided, single submitter. Criteria: Ambry Variant Classification Scheme 2023. Collection method: clinical testing. Allele origin: germline.
Comment: The p.T147I variant (also known as c.440C>T), located in coding exon 5 of the PMS2 gene, results from a C to T substitution at nucleotide position 440. The threonine at codon 147 is replaced by isoleucine, an amino acid with similar properties. This amino acid position is not well conserved in available vertebrate species. In addition, this alteration is predicted to be tolerated by in silico analysis. Since supporting evidence is limited at this time, the clinical significance of this alteration remains unclear.